The following is an entry in ClinVar:

NM_000516.7(GNAS):c.499_501del (p.Asn167del)

Gene: GNAS (GNAS complex locus; plus strand). Cytogenetic location: 20q13.32.
Variant type: Deletion.
Coding change: c.499_501del on transcript NM_000516.7 (MANE Select); coding-DNA positions 499 to 501, 3 bases deleted (AAC; older notation c.499_501delAAC).
Protein change: p.Asn167del; deletes asparagine 167.
Molecular consequence: inframe deletion. On other transcripts: 3 prime UTR variant (2).
Genome position (GRCh38, 1-based): chr20:58,905,449-58,905,451, AAC deleted; deleting any 3 consecutive bases within chr20:58,905,448-58,905,451 gives the same sequence; the c. name uses the placement nearest the transcript's 3' end. VCF-style (leftmost placement, unchanged base first): chr20-58905447-CCAA-C. GRCh37 (hg19) VCF-style: chr20-57480502-CCAA-C.
Other names: c.499_501delAAC (NM_000516.5); c.502_504del, p.Asn168del (NM_001077488.5); c.454_456del, p.Asn152del (NM_001077489.4); c.*360_*362del (NM_001077490.3); c.322_324del, p.Asn108del (NM_001309840.2, NM_001309861.2); c.*405_*407del (NM_016592.5); c.2428_2430del, p.Asn810del (NM_080425.4); c.457_459del, p.Asn153del (NM_080426.4); short protein forms N108del, N152del, N153del, N167del, N168del, N810del.
Identifiers: ClinVar variation 988387 (VCV000988387.10), dbSNP rs2090976492, ClinGen allele CA1139666756.

ClinVar aggregate classification (germline): Conflicting classifications of pathogenicity. Review status: criteria provided, conflicting classifications (1 of 4 stars). 3 submissions from 3 submitters: Likely pathogenic (1); Uncertain significance (2). Last evaluated 2026-06-23.

Conditions:
GNAS-related disorder. Identifiers: MedGen CN380105.

Submissions (3):

PreventionGenetics, part of Exact Sciences
Classification: Uncertain significance for GNAS-related condition. Last evaluated: 2026-06-23. Review status: criteria provided, single submitter. Criteria: ACMG Guidelines, 2015. Collection method: clinical testing. Allele origin: germline.
Comment: The GNAS c.499_501delAAC variant is predicted to result in an in-frame deletion (p.Asn167del). To our knowledge, this variant has not been reported in the literature in individuals with GNAS-related conditions. This variant has not been reported in a large population database (gnomAD), indicating this variant is rare. At this time, the clinical significance of this variant is uncertain due to the absence of conclusive functional and genetic evidence.

Labcorp Genetics (formerly Invitae), Labcorp
Classification: Uncertain significance. Last evaluated: 2020-12-05. Review status: criteria provided, single submitter. Criteria: Invitae Variant Classification Sherloc (09022015). Collection method: clinical testing. Allele origin: germline.
Comment: This variant, c.499_501del, results in the deletion of 1 amino acid(s) of the GNAS protein (p.Asn167del), but otherwise preserves the integrity of the reading frame. This variant is not present in population databases (ExAC no frequency). This variant has not been reported in the literature in individuals with GNAS-related conditions. Experimental studies and prediction algorithms are not available or were not evaluated, and the functional significance of this variant is currently unknown. In summary, the available evidence is currently insufficient to determine the role of this variant in disease. Therefore, it has been classified as a Variant of Uncertain Significance.

Clinical Genetics and Genomics, Karolinska University Hospital
Classification: Likely pathogenic. Last evaluated: 2018-01-16. Review status: criteria provided, single submitter. Criteria: ACMG Guidelines, 2015. Collection method: clinical testing. Allele origin: germline. Affected: yes. Observed: 1 variant allele.